The following is an entry in ClinVar:

NM_004655.4(AXIN2):c.1167C>A (p.His389Gln)

Gene: AXIN2 (axin 2; minus strand). Cytogenetic location: 17q24.1.
Variant type: single nucleotide variant.
Coding change: c.1167C>A on transcript NM_004655.4 (MANE Select); coding-DNA position 1167, C replaced by A.
Protein change: p.His389Gln; replaces histidine 389 with glutamine.
Molecular consequence: missense variant.
Genome position (GRCh38, 1-based): chr17:65,538,236, G>T on the plus strand (C>A on the coding strand, the complement: AXIN2 is on the minus strand). VCF-style: chr17-65538236-G-T. GRCh37 (hg19) VCF-style: chr17-63534354-G-T.
Other names: c.1167C>A, p.His389Gln (NM_001363813.1); short protein forms H389Q.
Identifiers: ClinVar variation 854131 (VCV000854131.10), dbSNP rs2043978734, ClinGen allele CA400678243.

ClinVar aggregate classification (germline): Uncertain significance. Review status: criteria provided, multiple submitters, no conflicts (2 of 4 stars). 2 submissions from 2 submitters: Uncertain significance (2). Last evaluated 2025-12-28.

Conditions:
Oligodontia-cancer predisposition syndrome. Also called: TOOTH AGENESIS-COLORECTAL CANCER SYNDROME. Identifiers: Orphanet 300576, MedGen C1837750, MONDO:0012075, OMIM 608615. Disease mechanism: loss of function.
Hereditary cancer-predisposing syndrome. Also called: Neoplastic Syndromes, Hereditary; Hereditary Cancer Syndrome; Tumor predisposition; Hereditary neoplastic syndrome. Identifiers: Orphanet 140162, MedGen C0027672, MeSH D009386, MONDO:0015356.

Submissions (2):

Labcorp Genetics (formerly Invitae), Labcorp
Classification: Uncertain significance for Oligodontia-cancer predisposition syndrome. Last evaluated: 2025-12-28. Review status: criteria provided, single submitter. Criteria: Invitae Variant Classification Sherloc (09022015). Collection method: clinical testing. Allele origin: germline.
Comment: This sequence change replaces histidine, which is basic and polar, with glutamine, which is neutral and polar, at codon 389 of the AXIN2 protein (p.His389Gln). This variant is not present in population databases (gnomAD no frequency). This variant has not been reported in the literature in individuals affected with AXIN2-related conditions. ClinVar contains an entry for this variant (Variation ID: 854131). Invitae Evidence Modeling of protein sequence and biophysical properties (such as structural, functional, and spatial information, amino acid conservation, physicochemical variation, residue mobility, and thermodynamic stability) indicates that this missense variant is not expected to disrupt AXIN2 protein function with a negative predictive value of 80%. In summary, the available evidence is currently insufficient to determine the role of this variant in disease. Therefore, it has been classified as a Variant of Uncertain Significance.

Ambry Genetics
Classification: Uncertain significance for Hereditary cancer-predisposing syndrome. Last evaluated: 2024-07-26. Review status: criteria provided, single submitter. Criteria: Ambry Variant Classification Scheme 2023. Collection method: clinical testing. Allele origin: germline.
Comment: The p.H389Q variant (also known as c.1167C>A), located in coding exon 4 of the AXIN2 gene, results from a C to A substitution at nucleotide position 1167. The histidine at codon 389 is replaced by glutamine, an amino acid with highly similar properties. This amino acid position is conserved. In addition, this alteration is predicted to be tolerated by in silico analysis. Based on the available evidence, the clinical significance of this variant remains unclear.